The following is an entry in ClinVar:

NM_020843.4(SCAPER):c.2594G>A (p.Arg865Gln)

Gene: SCAPER (S-phase cyclin A associated protein in the ER; minus strand). Cytogenetic location: 15q24.3.
Variant type: single nucleotide variant.
Coding change: c.2594G>A on transcript NM_020843.4 (MANE Select); coding-DNA position 2594, G replaced by A.
Protein change: p.Arg865Gln; replaces arginine 865 with glutamine.
Molecular consequence: missense variant. On other transcripts: non-coding transcript variant (1).
Genome position (GRCh38, 1-based): chr15:76,665,704, C>T on the plus strand (G>A on the coding strand, the complement: SCAPER is on the minus strand). VCF-style: chr15-76665704-C-T. GRCh37 (hg19) VCF-style: chr15-76958045-C-T.
Other names: c.1856G>A, p.Arg619Gln (NM_001145923.2); c.2612G>A, p.Arg871Gln (NM_001353009.2); c.2192G>A, p.Arg731Gln (NM_001353010.2, NM_001353012.2); c.2210G>A, p.Arg737Gln (NM_001353011.2); short protein forms R865Q, R619Q, R731Q, R737Q, R871Q.
Identifiers: ClinVar variation 4990674 (VCV004990674.1).

ClinVar aggregate classification (germline): Uncertain significance (1 of 4 stars; one submission).

Conditions:
SCAPER-related disorder. Also called: SCAPER-related condition.

gnomAD v4.1: 18 of 1,570,014 alleles (0.0011%); highest among the groups gnomAD compares: African/African-American, 0.0041%; no homozygotes.

Submission:

PreventionGenetics, part of Exact Sciences
Classification: Uncertain significance for SCAPER-related condition. Last evaluated: 2025-03-06. Review status: criteria provided, single submitter. Criteria: ACMG Guidelines, 2015. Collection method: clinical testing. Allele origin: germline.
Comment: The SCAPER c.2612G>A variant is predicted to result in the amino acid substitution p.Arg871Gln. To our knowledge, this variant has not been reported in the literature. This variant is reported in 0.0048% of alleles in individuals of African descent in gnomAD. At this time, the clinical significance of this variant is uncertain due to the absence of conclusive functional and genetic evidence.